The following is an entry in ClinVar:

ClinVar aggregate classification (germline): Uncertain significance (1 of 4 stars; one submission).

gnomAD v4.1: 3 of 1,613,468 alleles (0.00019%); highest among the groups gnomAD compares: African/African-American, 0.004%; no homozygotes.

Submission:

GeneDx
Classification: Uncertain significance. Last evaluated: 2024-10-24. Review status: criteria provided, single submitter. Criteria: GeneDx Variant Classification Process June 2021. Collection method: clinical testing. Allele origin: germline. Affected: yes.
Comment: Not observed at significant frequency in large population cohorts (gnomAD); In silico analysis supports that this missense variant has a deleterious effect on protein structure/function; Has not been previously published as pathogenic or benign to our knowledge

NM_001005273.3(CHD3):c.5248G>A (p.Ala1750Thr)

Gene: CHD3 (chromodomain helicase DNA binding protein 3; plus strand). Cytogenetic location: 17p13.1.
Variant type: single nucleotide variant.
Coding change: c.5248G>A on transcript NM_001005273.3 (MANE Select); coding-DNA position 5248, G replaced by A.
Protein change: p.Ala1750Thr; replaces alanine 1750 with threonine.
Molecular consequence: missense variant.
Genome position (GRCh38, 1-based): chr17:7,908,497, G>A. VCF-style: chr17-7908497-G-A. GRCh37 (hg19) VCF-style: chr17-7811815-G-A.
Other names: c.5425G>A, p.Ala1809Thr (NM_001005271.3); c.5146G>A, p.Ala1716Thr (NM_005852.4); short protein forms A1716T, A1750T, A1809T.
Identifiers: ClinVar variation 3893579 (VCV003893579.1).